The following is an entry in ClinVar:

NM_020738.4(KIDINS220):c.3442C>T (p.Pro1148Ser)

Gene: KIDINS220 (kinase D interacting substrate 220; minus strand). Cytogenetic location: 2p25.1.
Variant type: single nucleotide variant.
Coding change: c.3442C>T on transcript NM_020738.4 (MANE Select); coding-DNA position 3442, C replaced by T.
Protein change: p.Pro1148Ser; replaces proline 1148 with serine.
Molecular consequence: missense variant. On other transcripts: non-coding transcript variant (1), intron variant (8).
Genome position (GRCh38, 1-based): chr2:8,747,973, G>A on the plus strand (C>T on the coding strand, the complement: KIDINS220 is on the minus strand). VCF-style: chr2-8747973-G-A. GRCh37 (hg19) VCF-style: chr2-8888103-G-A.
Other names: c.3445C>T, p.Pro1149Ser (NM_001348729.2, NM_001348731.2); c.3442C>T, p.Pro1148Ser (NM_001348732.2, NM_001348738.2); c.3414+2139C>T (NM_001348741.2, NM_001348742.2, NM_001348743.2 and 1 more transcripts); c.3417+2139C>T (NM_001348739.2, NM_001348740.2, NM_001348734.2); c.3288+2139C>T (NM_001348736.2); short protein forms P1149S, P1148S.
Identifiers: ClinVar variation 2851003 (VCV002851003.3), dbSNP rs1666816571, ClinGen allele CA345771080.
Genomic context (GRCh38, chr2:8,747,973, plus strand): 5'-AACTCGTTTTTACTGATGGACGTGAGATGAGATGTTGGGAGCCGCCAGGGTAATACCTTG[G>A]CGTGTAAAGGTATGGGGCAAAGAATGGCTATGGAAAAACATGTAACAAAAAAGGGGTAAA-3'
Protein context (NP_065789.1, residues 1138-1158): RPFFAPYLYT[Pro1148Ser]RYYPGGSQHL

ClinVar aggregate classification (germline): Uncertain significance (1 of 4 stars; one submission).

Allele frequency attached by ClinVar (database versions not stated): gnomAD exomes below 0.00001.
gnomAD v4.1: 1 of 1,591,472 alleles (0.000063%); highest among the groups gnomAD compares: Non-Finnish European, 0.000085%; no homozygotes.

Submission:

Labcorp Genetics (formerly Invitae), Labcorp
Classification: Uncertain significance. Last evaluated: 2023-08-17. Review status: criteria provided, single submitter. Criteria: Invitae Variant Classification Sherloc (09022015). Collection method: clinical testing. Allele origin: germline.
Comment: Experimental studies and prediction algorithms are not available or were not evaluated, and the functional significance of this variant is currently unknown. This sequence change replaces proline, which is neutral and non-polar, with serine, which is neutral and polar, at codon 1148 of the KIDINS220 protein (p.Pro1148Ser). This variant is not present in population databases (gnomAD no frequency). This variant has not been reported in the literature in individuals affected with KIDINS220-related conditions. In summary, the available evidence is currently insufficient to determine the role of this variant in disease. Therefore, it has been classified as a Variant of Uncertain Significance.